The following is an entry in ClinVar:

ClinVar aggregate classification (germline): Uncertain significance (1 of 4 stars; one submission).

Conditions:
Inflammatory bowel disease 25. Also called: Inflammatory bowel disease 25, early onset, autosomal recessive. Identifiers: Orphanet 238569, MedGen C2675508, MONDO:0012941, OMIM 612567.

Allele frequency attached by ClinVar (database versions not stated): TOPMed 0.00001.

Submission:

Labcorp Genetics (formerly Invitae), Labcorp
Classification: Uncertain significance for Inflammatory bowel disease 25. Last evaluated: 2024-10-29. Review status: criteria provided, single submitter. Criteria: Invitae Variant Classification Sherloc (09022015). Collection method: clinical testing. Allele origin: germline.
Comment: This sequence change creates a premature translational stop signal (p.Leu278Phefs*18) in the IL10RB gene. While this is not anticipated to result in nonsense mediated decay, it is expected to disrupt the last 48 amino acid(s) of the IL10RB protein. This variant is not present in population databases (gnomAD no frequency). This variant has not been reported in the literature in individuals affected with IL10RB-related conditions. ClinVar contains an entry for this variant (Variation ID: 1038371). Experimental studies and prediction algorithms are not available or were not evaluated, and the functional significance of this variant is currently unknown. Algorithms developed to predict the effect of sequence changes on RNA splicing suggest that this variant may disrupt the consensus splice site. In summary, the available evidence is currently insufficient to determine the role of this variant in disease. Therefore, it has been classified as a Variant of Uncertain Significance.

NM_000628.5(IL10RB):c.832del (p.Leu278fs)

Genes: IFNAR2-IL10RB (IFNAR2-IL10RB readthrough; plus strand), IL10RB (interleukin 10 receptor subunit beta; plus strand). Cytogenetic location: 21q22.11.
Variant type: Deletion.
Coding change: c.832del on transcript NM_000628.5 (MANE Select); coding-DNA position 832, one base deleted (C; older notation c.832delC).
Protein change: p.Leu278fs; shifts the reading frame from leucine 278.
Molecular consequence: frameshift variant.
Genome position (GRCh38, 1-based): chr21:33,296,211, C deleted. VCF-style (leftmost placement, unchanged base first): chr21-33296210-AC-A. GRCh37 (hg19) VCF-style: chr21-34668515-AC-A.
Other names: short protein forms L278fs.
Identifiers: ClinVar variation 1038371 (VCV001038371.7), dbSNP rs1601839547, ClinGen allele CA920297357.